The following is an entry in ClinVar:

ClinVar aggregate classification (germline): Pathogenic (1 of 4 stars; one submission).

Conditions:
Neuronal ceroid lipofuscinosis 2. Also called: TPP1-Related Neuronal Ceroid-Lipofuscinosis; JANSKY-BIELSCHOWSKY DISEASE NEURONAL CEROID LIPOFUSCINOSIS, LATE INFANTILE. Identifiers: Orphanet 168491, Orphanet 228349, Orphanet 79264, MedGen C1876161, MONDO:0008769, OMIM 204500.

Submission:

Myriad Genetics, Inc.
Classification: Pathogenic for Neuronal ceroid lipofuscinosis 2. Last evaluated: 2024-11-23. Review status: criteria provided, single submitter. Criteria: Myriad Autosomal Dominant, Autosomal Recessive and X-Linked Classification Criteria (2023). Collection method: clinical testing. Allele origin: unknown.
Comment: NM_000391.3(TPP1):c.368G>A(W123*) is expected to be pathogenic in the context of TPP1-related neuronal ceroid lipofuscinosis. This variant is predicted to lead to an abnormal or absent protein product due to the creation of a premature termination codon in TPP1, a gene where loss-of-function variants are known to be pathogenic. Please note: this variant was assessed in the context of healthy population screening.

NM_000391.4(TPP1):c.368G>A (p.Trp123Ter)

Gene: TPP1 (tripeptidyl peptidase 1; minus strand). Cytogenetic location: 11p15.4.
Variant type: single nucleotide variant.
Coding change: c.368G>A on transcript NM_000391.4 (MANE Select); coding-DNA position 368, G replaced by A.
Protein change: p.Trp123Ter; replaces tryptophan 123 with a stop codon.
Molecular consequence: nonsense.
Genome position (GRCh38, 1-based): chr11:6,617,638, C>T on the plus strand (G>A on the coding strand, the complement: TPP1 is on the minus strand). VCF-style: chr11-6617638-C-T. GRCh37 (hg19) VCF-style: chr11-6638869-C-T.
Other names: short protein forms W123*.
Identifiers: ClinVar variation 5013206 (VCV005013206.1).